The following is an entry in ClinVar:

NM_178012.5(TUBB2B):c.539T>C (p.Val180Ala)

Gene: TUBB2B (tubulin beta 2B class IIb; minus strand). Cytogenetic location: 6p25.2.
Variant type: single nucleotide variant.
Coding change: c.539T>C on transcript NM_178012.5 (MANE Select); coding-DNA position 539, T replaced by C.
Protein change: p.Val180Ala; replaces valine 180 with alanine.
Molecular consequence: missense variant.
Genome position (GRCh38, 1-based): chr6:3,225,550, A>G on the plus strand (T>C on the coding strand, the complement: TUBB2B is on the minus strand). VCF-style: chr6-3225550-A-G. GRCh37 (hg19) VCF-style: chr6-3225784-A-G.
Other names: short protein forms V180A.
Identifiers: ClinVar variation 3775014 (VCV003775014.1).

ClinVar aggregate classification (germline): Likely pathogenic (1 of 4 stars; one submission).

Conditions:
Complex cortical dysplasia with other brain malformations 7. Identifiers: Orphanet 300573, MedGen C3552236, MONDO:0012399, OMIM 610031.

Submission:

Institute of Human Genetics, University of Goettingen
Classification: Likely pathogenic for Complex cortical dysplasia with other brain malformations 7. Last evaluated: 2025-03-14. Review status: criteria provided, single submitter. Criteria: ACMG Guidelines, 2015. Collection method: clinical testing. Allele origin: de novo. Inheritance: Sporadic. Affected: yes. Observed: 1 heterozygote.
Comment: The missense variant was identified in the heterozygous state in the TUBB2B gene. This variant leads to p.Val180Ala. REVEL in silico tools predicts this variant to be damaging. The conservation at this position is high. The splice prediction at this position is low. This variant has not been seen previously in our laboratory. The variant is absent from ClinVar, and absent from HGMD. This variant is not reported in gnomAD (MAF 0). Missense variants in TUBB2B are a known mechanism of disease. According to the ACMG guidelines, the variant is classified as Likely pathogenic (ACMG criteria used for classification: PS2_SUP, PM2_SUP, PM5_SUP, PP2, PP3_MOD.). Based on the above information, the variant is predicted to be Likely Pathogenic for this patient.

Literature cited by the submitters: PubMed 35088901.